The following is an entry in ClinVar:

ClinVar aggregate classification (germline): Uncertain significance (1 of 4 stars; one submission).

Allele frequency attached by ClinVar (database versions not stated): TOPMed below 0.00001; gnomAD 0.00001; gnomAD exomes 0.00001.

Submission:

Labcorp Genetics (formerly Invitae), Labcorp
Classification: Uncertain significance. Last evaluated: 2021-12-03. Review status: criteria provided, single submitter. Criteria: Invitae Variant Classification Sherloc (09022015). Collection method: clinical testing. Allele origin: germline.
Comment: This sequence change replaces arginine, which is basic and polar, with tryptophan, which is neutral and slightly polar, at codon 67 of the GFER protein (p.Arg67Trp). The frequency data for this variant in the population databases is considered unreliable, as metrics indicate poor data quality at this position in the gnomAD database. This variant has not been reported in the literature in individuals affected with GFER-related conditions. Algorithms developed to predict the effect of missense changes on protein structure and function are either unavailable or do not agree on the potential impact of this missense change (SIFT: "Deleterious"; PolyPhen-2: "Benign"; Align-GVGD: "Class C0"). In summary, the available evidence is currently insufficient to determine the role of this variant in disease. Therefore, it has been classified as a Variant of Uncertain Significance.

NM_005262.3(GFER):c.199C>T (p.Arg67Trp)

Genes: GFER (growth factor, augmenter of liver regeneration; plus strand), LOC130058203 (ATAC-STARR-seq lymphoblastoid silent region 7014; plus strand). Cytogenetic location: 16p13.3.
Variant type: single nucleotide variant.
Coding change: c.199C>T on transcript NM_005262.3 (MANE Select); coding-DNA position 199, C replaced by T.
Protein change: p.Arg67Trp; replaces arginine 67 with tryptophan.
Molecular consequence: missense variant.
Genome position (GRCh38, 1-based): chr16:1,984,417, C>T. VCF-style: chr16-1984417-C-T. GRCh37 (hg19) VCF-style: chr16-2034418-C-T.
Other names: short protein forms R67W.
Identifiers: ClinVar variation 1519999 (VCV001519999.6), dbSNP rs1359181279, ClinGen allele CA394301380.